The following is an entry in ClinVar:

NM_002880.4(RAF1):c.1125G>T (p.Lys375Asn)

Gene: RAF1 (Raf-1 proto-oncogene, serine/threonine kinase; minus strand). Cytogenetic location: 3p25.2.
Variant type: single nucleotide variant.
Coding change: c.1125G>T on transcript NM_002880.4 (MANE Select); coding-DNA position 1125, G replaced by T.
Protein change: p.Lys375Asn; replaces lysine 375 with asparagine.
Molecular consequence: missense variant. On other transcripts: non-coding transcript variant (3).
Genome position (GRCh38, 1-based): chr3:12,591,776, C>A on the plus strand (G>T on the coding strand, the complement: RAF1 is on the minus strand). VCF-style: chr3-12591776-C-A. GRCh37 (hg19) VCF-style: chr3-12633275-C-A.
Other names: c.1185G>T, p.Lys395Asn (NM_001354689.3); c.1125G>T, p.Lys375Asn (NM_001354690.3); c.882G>T, p.Lys294Asn (NM_001354691.3, NM_001354692.3); c.1026G>T, p.Lys342Asn (NM_001354693.3); c.942G>T, p.Lys314Asn (NM_001354694.3); c.783G>T, p.Lys261Asn (NM_001354695.3); short protein forms K261N, K294N, K314N, K342N, K375N, K395N.
Identifiers: ClinVar variation 4801591 (VCV004801591.1).

ClinVar aggregate classification (germline): Uncertain significance (1 of 4 stars; one submission).

Conditions:
RASopathy. Also called: rasopathies; Noonan spectrum disorder. Identifiers: Orphanet 536391, MedGen C5555857, MONDO:0021060.

Submission:

Labcorp Genetics (formerly Invitae), Labcorp
Classification: Uncertain significance for RASopathy. Last evaluated: 2025-07-30. Review status: criteria provided, single submitter. Criteria: Invitae Variant Classification Sherloc (09022015). Collection method: clinical testing. Allele origin: germline.
Comment: This sequence change replaces lysine, which is basic and polar, with asparagine, which is neutral and polar, at codon 375 of the RAF1 protein (p.Lys375Asn). This variant is not present in population databases (gnomAD no frequency). This variant has not been reported in the literature in individuals affected with RAF1-related conditions. Invitae Evidence Modeling incorporating data from in vitro experimental studies (internal data) indicates that this missense variant is not expected to disrupt RAF1 function with a negative predictive value of 95%. In summary, the available evidence is currently insufficient to determine the role of this variant in disease. Therefore, it has been classified as a Variant of Uncertain Significance.